The following is an entry in ClinVar:

NM_006662.3(SRCAP):c.3370T>C (p.Ser1124Pro)

Gene: SRCAP (Snf2 related CREBBP activator protein; plus strand). Cytogenetic location: 16p11.2.
Variant type: single nucleotide variant.
Coding change: c.3370T>C on transcript NM_006662.3 (MANE Select); coding-DNA position 3370, T replaced by C.
Protein change: p.Ser1124Pro; replaces serine 1124 with proline.
Molecular consequence: missense variant.
Genome position (GRCh38, 1-based): chr16:30,721,305, T>C. VCF-style: chr16-30721305-T-C. GRCh37 (hg19) VCF-style: chr16-30732626-T-C.
Other names: c.3370T>C (NM_006662.2); short protein forms S1124P.
Identifiers: ClinVar variation 2905742 (VCV002905742.4), dbSNP rs1322050426, ClinGen allele CA395613843.
Genomic context (GRCh38, chr16:30,721,305, plus strand): 5'-TTGTCCCTAAAGCCAACACCACCTGCCCCAGTTCGCCTGAGCCCAGCCCCACCTCCAGGC[T>C]CCTCTAGCCTGTTGAAGCCCCTGACAGTGCCACCAGGCTACACCTTCCCTCCTGCTGCTG-3'
Protein context (NP_006653.2, residues 1114-1134): VRLSPAPPPG[Ser1124Pro]SSLLKPLTVP

ClinVar aggregate classification (germline): Uncertain significance. Review status: criteria provided, multiple submitters, no conflicts (2 of 4 stars). 2 submissions from 2 submitters: Uncertain significance (2). Last evaluated 2025-02-07.

Conditions:
Inborn genetic diseases. Identifiers: MedGen C0950123, MeSH D030342.

gnomAD v4.1: 11 of 1,614,044 alleles (0.00068%); highest among the groups gnomAD compares: Non-Finnish European, 0.00093%; no homozygotes.

Submissions (2):

Ambry Genetics
Classification: Uncertain significance for Inborn genetic diseases. Last evaluated: 2025-02-07. Review status: criteria provided, single submitter. Criteria: Ambry Variant Classification Scheme 2023. Collection method: clinical testing. Allele origin: germline.

Labcorp Genetics (formerly Invitae), Labcorp
Classification: Uncertain significance. Last evaluated: 2023-04-11. Review status: criteria provided, single submitter. Criteria: Invitae Variant Classification Sherloc (09022015). Collection method: clinical testing. Allele origin: germline.
Comment: In summary, the available evidence is currently insufficient to determine the role of this variant in disease. Therefore, it has been classified as a Variant of Uncertain Significance. Advanced modeling of protein sequence and biophysical properties (such as structural, functional, and spatial information, amino acid conservation, physicochemical variation, residue mobility, and thermodynamic stability) performed at Invitae indicates that this missense variant is expected to disrupt SRCAP protein function. This variant has not been reported in the literature in individuals affected with SRCAP-related conditions. This variant is present in population databases (no rsID available, gnomAD 0.002%). This sequence change replaces serine, which is neutral and polar, with proline, which is neutral and non-polar, at codon 1124 of the SRCAP protein (p.Ser1124Pro).